The following is an entry in ClinVar:

ClinVar aggregate classification (germline): Uncertain significance (1 of 4 stars; one submission).

Submission:

Labcorp Genetics (formerly Invitae), Labcorp
Classification: Uncertain significance. Last evaluated: 2022-05-05. Review status: criteria provided, single submitter. Criteria: Invitae Variant Classification Sherloc (09022015). Collection method: clinical testing. Allele origin: germline.
Comment: In summary, the available evidence is currently insufficient to determine the role of this variant in disease. Therefore, it has been classified as a Variant of Uncertain Significance. Variants that disrupt the consensus splice site are a relatively common cause of aberrant splicing (PMID: 17576681, 9536098). Algorithms developed to predict the effect of sequence changes on RNA splicing suggest that this variant may disrupt the consensus splice site. This variant has not been reported in the literature in individuals affected with AK7-related conditions. This variant is present in population databases (rs758855227, gnomAD 0.01%). This sequence change falls in intron 8 of the AK7 gene. It does not directly change the encoded amino acid sequence of the AK7 protein. It affects a nucleotide within the consensus splice site.

Literature cited by the submitters: PubMed 17576681; PubMed 9536098.

NM_152327.5(AK7):c.871-3_871-2del

Gene: AK7 (adenylate kinase 7; plus strand). Cytogenetic location: 14q32.2.
Variant type: Deletion.
Coding change: c.871-3_871-2del on transcript NM_152327.5 (MANE Select); 3 bases into the intron before coding-DNA position 871 through the canonical splice acceptor site of the intron before coding-DNA position 871, 2 bases deleted (CA; older notation c.871-3_871-2delCA).
Molecular consequence: splice acceptor variant. On other transcripts: intron variant (1).
Genome position (GRCh38, 1-based): chr14:96,449,799-96,449,800, CA deleted; deleting any 2 consecutive bases within chr14:96,449,798-96,449,800 gives the same sequence; the c. name uses the placement nearest the transcript's 3' end. VCF-style (leftmost placement, unchanged base first): chr14-96449797-AAC-A. GRCh37 (hg19) VCF-style: chr14-96916134-AAC-A.
Other names: c.871-3_871-2del (NM_001350888.2, NM_001350890.2, NM_001350892.2); c.871-1622_871-1621del (NM_001350891.2).
Identifiers: ClinVar variation 1945601 (VCV001945601.5), dbSNP rs758855227, ClinGen allele CA7337663.